The following is an entry in ClinVar:

NM_000093.5(COL5A1):c.2041C>T (p.Arg681Cys)

Gene: COL5A1 (collagen type V alpha 1 chain; plus strand). Cytogenetic location: 9q34.3.
Variant type: single nucleotide variant.
Coding change: c.2041C>T on transcript NM_000093.5 (MANE Select); coding-DNA position 2041, C replaced by T.
Protein change: p.Arg681Cys; replaces arginine 681 with cysteine.
Molecular consequence: missense variant.
Genome position (GRCh38, 1-based): chr9:134,765,687, C>T. VCF-style: chr9-134765687-C-T. GRCh37 (hg19) VCF-style: chr9-137657533-C-T.
Other names: c.2041C>T, p.Arg681Cys (NM_001278074.1); short protein forms R681C.
Identifiers: ClinVar variation 999394 (VCV000999394.10), dbSNP rs1564445192, ClinGen allele CA375446873.

ClinVar aggregate classification (germline): Uncertain significance. Review status: criteria provided, multiple submitters, no conflicts (2 of 4 stars). 2 submissions from 2 submitters: Uncertain significance (2). Last evaluated 2024-12-15.

Conditions:
Ehlers-Danlos syndrome, classic type, 1 (EDSCL1). Also called: EHLERS-DANLOS SYNDROME, GRAVIS TYPE; EHLERS-DANLOS SYNDROME, SEVERE CLASSIC TYPE; EDS I; Ehlers-Danlos Syndrome, Classic Type, COL5A1-Related; Ehlers-Danlos syndrome, type 1. Identifiers: MedGen C0268335, MONDO:0019567, OMIM 130000.

gnomAD v4.1: 11 of 1,613,590 alleles (0.00068%); highest among the groups gnomAD compares: South Asian, 0.0011%; no homozygotes.

Submissions (2):

Labcorp Genetics (formerly Invitae), Labcorp
Classification: Uncertain significance for Ehlers-Danlos syndrome, classic type, 1. Last evaluated: 2024-12-15. Review status: criteria provided, single submitter. Criteria: Invitae Variant Classification Sherloc (09022015). Collection method: clinical testing. Allele origin: germline.
Comment: This sequence change replaces arginine, which is basic and polar, with cysteine, which is neutral and slightly polar, at codon 681 of the COL5A1 protein (p.Arg681Cys). This variant is not present in population databases (gnomAD no frequency). This variant has not been reported in the literature in individuals affected with COL5A1-related conditions. ClinVar contains an entry for this variant (Variation ID: 999394). Invitae Evidence Modeling of protein sequence and biophysical properties (such as structural, functional, and spatial information, amino acid conservation, physicochemical variation, residue mobility, and thermodynamic stability) indicates that this missense variant is expected to disrupt COL5A1 protein function with a positive predictive value of 95%. In summary, the available evidence is currently insufficient to determine the role of this variant in disease. Therefore, it has been classified as a Variant of Uncertain Significance.

MGZ Medical Genetics Center
Classification: Uncertain significance for Ehlers-Danlos syndrome, classic type, 1. Last evaluated: 2021-06-30. Review status: criteria provided, single submitter. Criteria: ACMG Guidelines, 2015. Collection method: clinical testing. Allele origin: germline. Affected: yes. Observed: 1 variant allele.
Comment: ACMG criteria applied: PM2_SUP, PP3